The following is an entry in ClinVar:

NM_005807.6(PRG4):c.879T>C (p.Asn293=)

Gene: PRG4 (proteoglycan 4; plus strand). Cytogenetic location: 1q31.1.
Variant type: single nucleotide variant.
Coding change: c.879T>C on transcript NM_005807.6 (MANE Select); coding-DNA position 879, T replaced by C.
Protein change: p.Asn293=; no amino-acid change (asparagine 293 retained).
Molecular consequence: synonymous variant.
Genome position (GRCh38, 1-based): chr1:186,306,598, T>C. VCF-style: chr1-186306598-T-C. GRCh37 (hg19) VCF-style: chr1-186275730-T-C.
Other names: c.756T>C, p.Asn252= (NM_001127708.3); c.600T>C, p.Asn200= (NM_001127709.3); c.477T>C, p.Asn159= (NM_001127710.3); c.750T>C, p.Asn250= (NM_001303232.2).
Identifiers: ClinVar variation 2639650 (VCV002639650.25), dbSNP rs147788980, ClinGen allele CA1295970.

ClinVar aggregate classification (germline): Likely benign. Review status: criteria provided, multiple submitters, no conflicts (2 of 4 stars). 2 submissions from 2 submitters: Likely benign (2). Last evaluated 2024-11-05.

Allele frequency attached by ClinVar (database versions not stated): 1000 Genomes Project 30x 0.00141; 1000 Genomes Project 0.00160; gnomAD 0.00166; ESP Exome Variant Server 0.00185; TOPMed 0.00191; ExAC 0.00252; gnomAD exomes 0.00254.
gnomAD v4.1: 3,956 of 1,613,406 alleles (0.25%); highest among the groups gnomAD compares: Non-Finnish European, 0.3%; 7 homozygotes.

Submissions (2):

Blueprint Genetics
Classification: Likely benign. Last evaluated: 2024-11-05. Review status: criteria provided, single submitter. Criteria: ACMG Guidelines, 2015. Collection method: clinical testing. Allele origin: germline.

CeGaT Center for Human Genetics Tuebingen
Classification: Likely benign. Last evaluated: 2023-03-01. Review status: criteria provided, single submitter. Criteria: CeGaT Center For Human Genetics Tuebingen Variant Classification Criteria Version 2. Collection method: clinical testing. Allele origin: germline. Affected: yes. Observed: 4 variant alleles.
Comment: PRG4: BP4, BP7